The following is an entry in ClinVar:

ClinVar aggregate classification (germline): Uncertain significance (1 of 4 stars; one submission).

Allele frequency attached by ClinVar (database versions not stated): gnomAD 0.00001; gnomAD exomes 0.00001; TOPMed 0.00001.

Submission:

Labcorp Genetics (formerly Invitae), Labcorp
Classification: Uncertain significance. Last evaluated: 2022-04-04. Review status: criteria provided, single submitter. Criteria: Invitae Variant Classification Sherloc (09022015). Collection method: clinical testing. Allele origin: germline.
Comment: In summary, the available evidence is currently insufficient to determine the role of this variant in disease. Therefore, it has been classified as a Variant of Uncertain Significance. Algorithms developed to predict the effect of missense changes on protein structure and function (SIFT, PolyPhen-2, Align-GVGD) all suggest that this variant is likely to be tolerated. This variant has not been reported in the literature in individuals affected with ANXA11-related conditions. This variant is present in population databases (no rsID available, gnomAD 0.003%). This sequence change replaces threonine, which is neutral and polar, with serine, which is neutral and polar, at codon 272 of the ANXA11 protein (p.Thr272Ser).

NM_145868.2(ANXA11):c.814A>T (p.Thr272Ser)

Gene: ANXA11 (annexin A11; minus strand). Cytogenetic location: 10q22.3.
Variant type: single nucleotide variant.
Coding change: c.814A>T on transcript NM_145868.2 (MANE Select); coding-DNA position 814, A replaced by T.
Protein change: p.Thr272Ser; replaces threonine 272 with serine.
Molecular consequence: missense variant.
Genome position (GRCh38, 1-based): chr10:80,166,128, T>A on the plus strand (A>T on the coding strand, the complement: ANXA11 is on the minus strand). VCF-style: chr10-80166128-T-A. GRCh37 (hg19) VCF-style: chr10-81925884-T-A.
Other names: c.814A>T, p.Thr272Ser (NM_001157.3, NM_001278407.2, NM_001278408.2 and 1 more transcripts); c.715A>T, p.Thr239Ser (NM_001278409.2); short protein forms T239S, T272S.
Identifiers: ClinVar variation 1368695 (VCV001368695.8), dbSNP rs1183991889, ClinGen allele CA377366762.
Genomic context (GRCh38, chr10:80,166,128, plus strand): 5'-ACACACACGTACACACCTTGATGGCTTCCTTTATCTCATAAATGTCAAAGAGGACTGGGG[T>A]CTTCATCAGAGCCAAGATTGTCTTCTCAAAGTTTCCTGACAGTTCAGATTTCAGATCTTT-3'
Protein context (NP_665875.1, residues 262-282): FEKTILALMK[Thr272Ser]PVLFDIYEIK